The following is an entry in ClinVar:

NM_000057.4(BLM):c.4252T>A (p.Ter1418Lys)

Gene: BLM (BLM RecQ like helicase; plus strand). Cytogenetic location: 15q26.1.
Variant type: single nucleotide variant.
Coding change: c.4252T>A on transcript NM_000057.4 (MANE Select); coding-DNA position 4252, T replaced by A.
Protein change: p.Ter1418Lys.
Molecular consequence: stop lost.
Genome position (GRCh38, 1-based): chr15:90,815,277, T>A. VCF-style: chr15-90815277-T-A. GRCh37 (hg19) VCF-style: chr15-91358507-T-A.
Other names: *1418K; *1287K; *1043K; c.4252T>A, p.Ter1418Lys (NM_001287246.2); c.3859T>A, p.Ter1287Lys (NM_001287247.2); c.3127T>A, p.Ter1043Lys (NM_001287248.2).
Identifiers: ClinVar variation 550445 (VCV000550445.5), dbSNP rs1555425441, ClinGen allele CA393853427.
Genomic context (GRCh38, chr15:90,815,277, plus strand): 5'-ATTATGGCTCCACCGAAGCCTATAAATAGACCGTTTCTTAAGCCTTCATATGCATTCTCA[T>A]AACAACCGAATCTCAATGTACATAGACCCTCTTTCTTGTTTGTCAGCATCTGACCATCTG-3'

ClinVar aggregate classification (germline): Uncertain significance. Review status: criteria provided, single submitter (1 of 4 stars). 3 submissions from 3 submitters: Uncertain significance (1). 2 of the submissions do not count toward it. Last evaluated 2022-03-30.

Conditions:
Hereditary cancer-predisposing syndrome. Also called: Hereditary Cancer Syndrome; Hereditary neoplastic syndrome; Tumor predisposition; Neoplastic Syndromes, Hereditary. Identifiers: Orphanet 140162, MedGen C0027672, MeSH D009386, MONDO:0015356.
Bloom syndrome (BLM). Also called: Bloom-Torre-Machacek syndrome. Identifiers: Orphanet 125, MedGen C0005859, MONDO:0008876, OMIM 210900.

Submissions (3):

Ambry Genetics
Classification: Uncertain significance for Hereditary cancer-predisposing syndrome. Last evaluated: 2022-03-30. Review status: criteria provided, single submitter. Criteria: Ambry Variant Classification Scheme 2023. Collection method: clinical testing. Allele origin: germline.
Comment: The c.4252T>A variant (also known as p.*1418Kext*17), located in coding exon 21 of the BLM gene, results from a T to A substitution at nucleotide position 4252. This alteration disrupts the stop codon of the BLM gene and is predicted to preserve the native sequence while resulting in the elongation of the protein by 17 amino acids. The exact functional effect of the additional amino acids is unknown. Since supporting evidence is limited at this time, the clinical significance of this alteration remains unclear.

Natera, Inc.
Classification: Uncertain significance for Bloom syndrome. Last evaluated: 2025-01-31. Review status: no assertion criteria provided. Collection method: clinical testing. Allele origin: germline. Not counted in ClinVar's aggregate classification.

Counsyl
Classification: Uncertain significance for Bloom syndrome. Last evaluated: 2017-01-17. Review status: no assertion criteria provided. Collection method: clinical testing. Allele origin: unknown. Not counted in ClinVar's aggregate classification.